The following is an entry in ClinVar:

NM_015978.3(TNNI3K):c.115G>A (p.Glu39Lys)

Genes: FPGT-TNNI3K (FPGT-TNNI3K readthrough; plus strand), TNNI3K (TNNI3 interacting kinase; plus strand). Cytogenetic location: 1p31.1.
Variant type: single nucleotide variant.
Coding change: c.115G>A on transcript NM_015978.3 (MANE Select); coding-DNA position 115, G replaced by A.
Protein change: p.Glu39Lys; replaces glutamic acid 39 with lysine.
Molecular consequence: missense variant.
Genome position (GRCh38, 1-based): chr1:74,236,176, G>A. VCF-style: chr1-74236176-G-A. GRCh37 (hg19) VCF-style: chr1-74701860-G-A.
Other names: c.418G>A, p.Glu140Lys (NM_001112808.3, NM_001199327.2); short protein forms E39K, E140K.
Identifiers: ClinVar variation 3663784 (VCV003663784.2).
Genomic context (GRCh38, chr1:74,236,176, plus strand): 5'-AAAGTCAGTGAATCATATGTTATCACAATAGAAAGATTAGAAGATGACCTGCAGATCAAG[G>A]AAAAAGAACTGACAGAACTAAGGAATATATTTGGGTAAAGTTGTAAGAGTCATTATTTCT-3'
Protein context (NP_057062.1, residues 29-49): ERLEDDLQIK[Glu39Lys]KELTELRNIF

ClinVar aggregate classification (germline): Uncertain significance (1 of 4 stars; one submission).

Submission:

Labcorp Genetics (formerly Invitae), Labcorp
Classification: Uncertain significance. Last evaluated: 2024-08-28. Review status: criteria provided, single submitter. Criteria: Invitae Variant Classification Sherloc (09022015). Collection method: clinical testing. Allele origin: germline.
Comment: This sequence change replaces glutamic acid, which is acidic and polar, with lysine, which is basic and polar, at codon 39 of the TNNI3K protein (p.Glu39Lys). This variant is not present in population databases (gnomAD no frequency). This variant has not been reported in the literature in individuals affected with TNNI3K-related conditions. Invitae Evidence Modeling of protein sequence and biophysical properties (such as structural, functional, and spatial information, amino acid conservation, physicochemical variation, residue mobility, and thermodynamic stability) indicates that this missense variant is not expected to disrupt TNNI3K protein function with a negative predictive value of 80%. In summary, the available evidence is currently insufficient to determine the role of this variant in disease. Therefore, it has been classified as a Variant of Uncertain Significance.